The following is an entry in ClinVar:

NM_000245.4(MET):c.3961C>T (p.His1321Tyr)

Gene: MET (MET proto-oncogene, receptor tyrosine kinase; plus strand). Cytogenetic location: 7q31.2.
Variant type: single nucleotide variant.
Coding change: c.3961C>T on transcript NM_000245.4 (MANE Select); coding-DNA position 3961, C replaced by T.
Protein change: p.His1321Tyr; replaces histidine 1321 with tyrosine.
Molecular consequence: missense variant.
Genome position (GRCh38, 1-based): chr7:116,795,912, C>T. VCF-style: chr7-116795912-C-T. GRCh37 (hg19) VCF-style: chr7-116435966-C-T.
Other names: c.4015C>T, p.His1339Tyr (NM_001127500.3); c.2671C>T, p.His891Tyr (NM_001324402.2); short protein forms H1321Y, H1339Y, H891Y.
Identifiers: ClinVar variation 1011423 (VCV001011423.12), dbSNP rs1795655626, ClinGen allele CA369118103.

ClinVar aggregate classification (germline): Uncertain significance. Review status: criteria provided, multiple submitters, no conflicts (2 of 4 stars). 2 submissions from 2 submitters: Uncertain significance (2). Last evaluated 2025-12-18.

Conditions:
Renal cell carcinoma. Identifiers: Orphanet 217071, MedGen C0007134, MeSH D002292, MONDO:0005086, HP:0005584.
Hereditary cancer-predisposing syndrome. Also called: Hereditary Cancer Syndrome; Neoplastic Syndromes, Hereditary; Tumor predisposition; Hereditary neoplastic syndrome. Identifiers: Orphanet 140162, MedGen C0027672, MeSH D009386, MONDO:0015356.

Allele frequency attached by ClinVar (database versions not stated): gnomAD exomes below 0.00001.
gnomAD v4.1: 1 of 1,614,218 alleles (0.000062%); highest among the groups gnomAD compares: Non-Finnish European, 0.000085%; no homozygotes.

Submissions (2):

Ambry Genetics
Classification: Uncertain significance for Hereditary cancer-predisposing syndrome. Last evaluated: 2025-12-18. Review status: criteria provided, single submitter. Criteria: Ambry Variant Classification Scheme 2023. Collection method: clinical testing. Allele origin: germline.
Comment: The p.H1339Y variant (also known as c.4015C>T), located in coding exon 20 of the MET gene, results from a C to T substitution at nucleotide position 4015. The histidine at codon 1339 is replaced by tyrosine, an amino acid with similar properties. This amino acid position is highly conserved in available vertebrate species. In addition, this alteration is predicted to be deleterious by in silico analysis. Since supporting evidence is limited at this time, the clinical significance of this alteration remains unclear.

Labcorp Genetics (formerly Invitae), Labcorp
Classification: Uncertain significance for Renal cell carcinoma. Last evaluated: 2025-09-30. Review status: criteria provided, single submitter. Criteria: Invitae Variant Classification Sherloc (09022015). Collection method: clinical testing. Allele origin: germline.
Comment: This sequence change replaces histidine, which is basic and polar, with tyrosine, which is neutral and polar, at codon 1339 of the MET protein (p.His1339Tyr). This variant is not present in population databases (gnomAD no frequency). This variant has not been reported in the literature in individuals affected with MET-related conditions. ClinVar contains an entry for this variant (Variation ID: 1011423). Invitae Evidence Modeling of protein sequence and biophysical properties (such as structural, functional, and spatial information, amino acid conservation, physicochemical variation, residue mobility, and thermodynamic stability) indicates that this missense variant is expected to disrupt MET protein function with a positive predictive value of 80%. In summary, the available evidence is currently insufficient to determine the role of this variant in disease. Therefore, it has been classified as a Variant of Uncertain Significance.